The following is an entry in ClinVar:

NM_002769.5(PRSS1):c.-10C>A

Genes: PRSS1 (serine protease 1; plus strand), TRB (T cell receptor beta locus; plus strand). Cytogenetic location: 7q34.
Variant type: single nucleotide variant.
Coding change: c.-10C>A on transcript NM_002769.5 (MANE Select); 10 bases upstream of the start codon, C replaced by A.
Molecular consequence: 5 prime UTR variant. On other transcripts: non-coding transcript variant (5).
Genome position (GRCh38, 1-based): chr7:142,749,475, C>A. VCF-style: chr7-142749475-C-A. GRCh37 (hg19) VCF-style: chr7-142457326-C-A.
Other names: c.-10C>A (NM_002769.4).
Identifiers: ClinVar variation 2445752 (VCV002445752.2), dbSNP rs369627514, ClinGen allele CA4529573.

ClinVar aggregate classification (germline): Uncertain significance (1 of 4 stars; one submission).

Allele frequency attached by ClinVar (database versions not stated): gnomAD exomes 0.00001; ExAC 0.00006; gnomAD 0.00014; ESP Exome Variant Server 0.00031.
gnomAD v4.1: 37 of 1,613,984 alleles (0.0023%); highest among the groups gnomAD compares: African/African-American, 0.039%; no homozygotes.

Submission:

Women's Health and Genetics/Laboratory Corporation of America, LabCorp
Classification: Uncertain significance. Last evaluated: 2024-08-09. Review status: criteria provided, single submitter. Criteria: LabCorp Variant Classification Summary - May 2015. Collection method: clinical testing. Allele origin: germline.
Comment: Variant summary: PRSS1 c.-10C>A is located in the untranslated mRNA region upstream of the initiation codon. The variant allele was found at a frequency of 3.6e-05 in 251480 control chromosomes, predominantly at a frequency of 0.00055 within the African or African-American subpopulation in the gnomAD database. The available data on variant occurrences in the general population are insufficient to allow any conclusion about variant significance. To our knowledge, no occurrence of c.-10C>A in individuals affected with Chronic Pancreatitis Risk and no experimental evidence demonstrating its impact on protein function have been reported. ClinVar contains an entry for this variant (Variation ID: 2445752). Based on the evidence outlined above, the variant was classified as uncertain significance.